The following is an entry in ClinVar:

NM_207122.2(EXT2):c.1495+7dup

Genes: EXT2 (exostosin glycosyltransferase 2; plus strand), LOC126861201 (MED14-independent group 3 enhancer GRCh37_chr11:44218806-44220005; plus strand). Cytogenetic location: 11p11.2.
Variant type: Duplication.
Coding change: c.1495+7dup on transcript NM_207122.2 (MANE Select); 7 bases into the intron after coding-DNA position 1495, one base duplicated (A; older notation c.1495+7dupA).
Molecular consequence: intron variant.
Genome position (GRCh38, 1-based): chr11:44,198,025, A duplicated; the last of 2 consecutive A bases (chr11:44,198,024-44,198,025); duplicating either gives the same sequence. VCF-style (leftmost placement, unchanged base first): chr11-44198023-G-GA. GRCh37 (hg19) VCF-style: chr11-44219573-G-GA.
Other names: c.1525+7dup (NM_001178083.3); c.1594+7dup (NM_000401.3); c.1495+7dupA (NM_207122.1).
Identifiers: ClinVar variation 1112693 (VCV001112693.10), dbSNP rs1376958816, ClinGen allele CA676724572.

ClinVar aggregate classification (germline): Likely benign. Review status: criteria provided, multiple submitters, no conflicts (2 of 4 stars). 2 submissions from 2 submitters: Likely benign (2). Last evaluated 2026-03-11.

Conditions:
EXT2-related disorder. Also called: EXT2-related condition.
Exostoses, multiple, type 2 (EXT2). Also called: EXOSTOSES, MULTIPLE, TYPE II; Hereditary Multiple Osteochondromatosis, Type II. Identifiers: Orphanet 321, MedGen C1851413, MONDO:0007586, OMIM 133701.

Submissions (2):

PreventionGenetics, part of Exact Sciences
Classification: Likely benign for EXT2-related condition. Last evaluated: 2026-03-11. Review status: criteria provided, single submitter. Criteria: ACMG Guidelines, 2015. Collection method: clinical testing. Allele origin: germline.
Comment: This variant is classified as likely benign based on ACMG/AMP sequence variant interpretation guidelines (Richards et al. 2015 PMID: 25741868, with internal and published modifications).

Labcorp Genetics (formerly Invitae), Labcorp
Classification: Likely benign for Exostoses, multiple, type 2. Last evaluated: 2020-07-07. Review status: criteria provided, single submitter. Criteria: Invitae Variant Classification Sherloc (09022015). Collection method: clinical testing. Allele origin: germline.